The following is an entry in ClinVar:

ClinVar aggregate classification (germline): Uncertain significance (1 of 4 stars; one submission).

Conditions:
Inborn genetic diseases. Identifiers: MedGen C0950123, MeSH D030342.

Allele frequency attached by ClinVar (database versions not stated): gnomAD exomes below 0.00001; ExAC 0.00001; TOPMed 0.00001; ESP Exome Variant Server 0.00008.
gnomAD v4.1: 4 of 1,614,142 alleles (0.00025%); highest among the groups gnomAD compares: Admixed American, 0.0017%; no homozygotes.

Submission:

Ambry Genetics
Classification: Uncertain significance for Inborn genetic diseases. Last evaluated: 2020-02-18. Review status: criteria provided, single submitter. Criteria: Ambry Variant Classification Scheme 2023. Collection method: clinical testing. Allele origin: germline.
Comment: The p.R850W variant (also known as c.2548C>T), located in coding exon 23 of the MORC2 gene, results from a C to T substitution at nucleotide position 2548. The arginine at codon 850 is replaced by tryptophan, an amino acid with dissimilar properties. In addition, the in silico prediction for this alteration is inconclusive. Since supporting evidence is limited at this time, the clinical significance of this alteration remains unclear.

NM_001303256.3(MORC2):c.2548C>T (p.Arg850Trp)

Gene: MORC2 (MORC family CW-type zinc finger 2; minus strand). Cytogenetic location: 22q12.2.
Variant type: single nucleotide variant.
Coding change: c.2548C>T on transcript NM_001303256.3 (MANE Select); coding-DNA position 2548, C replaced by T.
Protein change: p.Arg850Trp; replaces arginine 850 with tryptophan.
Molecular consequence: missense variant.
Genome position (GRCh38, 1-based): chr22:30,932,744, G>A on the plus strand (C>T on the coding strand, the complement: MORC2 is on the minus strand). VCF-style: chr22-30932744-G-A. GRCh37 (hg19) VCF-style: chr22-31328731-G-A.
Other names: c.2548C>T, p.Arg850Trp (NM_001303257.2); c.2362C>T, p.Arg788Trp (NM_014941.3); short protein forms R850W, R788W.
Identifiers: ClinVar variation 1792900 (VCV001792900.2), dbSNP rs373048769, ClinGen allele CA10186618.